The following is an entry in ClinVar:

ClinVar aggregate classification (germline): Uncertain significance (1 of 4 stars; one submission).

Submission:

Labcorp Genetics (formerly Invitae), Labcorp
Classification: Uncertain significance. Last evaluated: 2024-02-19. Review status: criteria provided, single submitter. Criteria: Invitae Variant Classification Sherloc (09022015). Collection method: clinical testing. Allele origin: germline.
Comment: This sequence change falls in intron 24 of the LIG1 gene. It does not directly change the encoded amino acid sequence of the LIG1 protein. It affects a nucleotide within the consensus splice site. This variant is not present in population databases (gnomAD no frequency). This variant has not been reported in the literature in individuals affected with LIG1-related conditions. ClinVar contains an entry for this variant (Variation ID: 2088810). Variants that disrupt the consensus splice site are a relatively common cause of aberrant splicing (PMID: 17576681, 9536098). Algorithms developed to predict the effect of sequence changes on RNA splicing suggest that this variant is not likely to affect RNA splicing. In summary, the available evidence is currently insufficient to determine the role of this variant in disease. Therefore, it has been classified as a Variant of Uncertain Significance.

Literature cited by the submitters: PubMed 17576681; PubMed 9536098.

NM_000234.3(LIG1):c.2385+4C>A

Gene: LIG1 (DNA ligase 1; minus strand). Cytogenetic location: 19q13.33.
Variant type: single nucleotide variant.
Coding change: c.2385+4C>A on transcript NM_000234.3 (MANE Select); 4 bases into the intron after coding-DNA position 2385, C replaced by A.
Molecular consequence: intron variant. On other transcripts: non-coding transcript variant (5).
Genome position (GRCh38, 1-based): chr19:48,121,166, G>T on the plus strand (C>A on the coding strand, the complement: LIG1 is on the minus strand). VCF-style: chr19-48121166-G-T. GRCh37 (hg19) VCF-style: chr19-48624423-G-T.
Other names: c.2292+4C>A (NM_001289063.2); c.2295+4C>A (NM_001320971.2); c.2181+4C>A (NM_001289064.2); c.2382+4C>A (NM_001320970.2).
Identifiers: ClinVar variation 2088810 (VCV002088810.4), dbSNP rs2513999241, ClinGen allele CA406642215.